The following is an entry in ClinVar:

ClinVar aggregate classification (germline): Uncertain significance (1 of 4 stars; one submission).

gnomAD v4.1: 3 of 1,268,762 alleles (0.00024%); highest among the groups gnomAD compares: Non-Finnish European, 0.0003%; no homozygotes.

Submission:

GeneDx
Classification: Uncertain significance. Last evaluated: 2024-04-29. Review status: criteria provided, single submitter. Criteria: GeneDx Variant Classification Process June 2021. Collection method: clinical testing. Allele origin: germline. Affected: yes.
Comment: Not observed at significant frequency in large population cohorts (gnomAD); In silico analysis indicates that this missense variant does not alter protein structure/function; Has not been previously published as pathogenic or benign to our knowledge

NM_002168.4(IDH2):c.115T>C (p.Tyr39His)

Genes: IDH2 (isocitrate dehydrogenase (NADP(+)) 2; minus strand), IDH2-DT (IDH2 divergent transcript; plus strand). Cytogenetic location: 15q26.1.
Variant type: single nucleotide variant.
Coding change: c.115T>C on transcript NM_002168.4 (MANE Select); coding-DNA position 115, T replaced by C.
Protein change: p.Tyr39His; replaces tyrosine 39 with histidine.
Molecular consequence: missense variant. On other transcripts: non-coding transcript variant (1), 5 prime UTR variant (1).
Genome position (GRCh38, 1-based): chr15:90,102,276, A>G on the plus strand (T>C on the coding strand, the complement: IDH2 is on the minus strand). VCF-style: chr15-90102276-A-G. GRCh37 (hg19) VCF-style: chr15-90645508-A-G.
Other names: c.-18T>C (NM_001290114.2); short protein forms Y39H.
Identifiers: ClinVar variation 3373160 (VCV003373160.1).
Genomic context (GRCh38, chr15:90,102,276, plus strand): 5'-GAAGCCGCCACGTCGCAGCTGGGGGCGCGCGCCTGCCTGGACCCTCCGCGCGGCACTCAC[A>G]GTGGCGCCGCGGCTGCTCTTGCGAGGTGGGGGCTGTCAGGGCCGCCGGCGCCCAGGCCGG-3'
Protein context (NP_002159.2, residues 29-49): PTSQEQPRRH[Tyr39His]ADKRIKVAKP